The following is an entry in ClinVar:

ClinVar aggregate classification (germline): Uncertain significance. Review status: criteria provided, multiple submitters, no conflicts (2 of 4 stars). 5 submissions from 5 submitters: Uncertain significance (5). Last evaluated 2025-12-24.

Conditions:
COL4A5-related disorder. Also called: COL4A5-related condition.
Inborn genetic diseases. Identifiers: MedGen C0950123, MeSH D030342.
X-linked Alport syndrome (ATS1). Also called: COL4A5-Related Nephropathy; NEPHROPATHY AND DEAFNESS, X-LINKED. Identifiers: Orphanet 63, Orphanet 88917, MedGen C4746986, MONDO:0010520, OMIM 301050.

Allele frequency attached by ClinVar (database versions not stated): gnomAD exomes below 0.00001; TOPMed 0.00001.
gnomAD v4.1: 3 of 1,208,633 alleles (0.00025%); highest among the groups gnomAD compares: Admixed American, 0.0022%; no homozygotes.

Submissions (5):

Ambry Genetics
Classification: Uncertain significance for Inborn genetic diseases. Last evaluated: 2025-12-24. Review status: criteria provided, single submitter. Criteria: Ambry Variant Classification Scheme 2023. Collection method: clinical testing. Allele origin: germline.

Labcorp Genetics (formerly Invitae), Labcorp
Classification: Uncertain significance. Last evaluated: 2024-12-23. Review status: criteria provided, single submitter. Criteria: Invitae Variant Classification Sherloc (09022015). Collection method: clinical testing. Allele origin: germline.
Comment: This sequence change replaces proline, which is neutral and non-polar, with leucine, which is neutral and non-polar, at codon 277 of the COL4A5 protein (p.Pro277Leu). This variant is not present in population databases (gnomAD no frequency). This variant has not been reported in the literature in individuals affected with COL4A5-related conditions. ClinVar contains an entry for this variant (Variation ID: 1698603). Invitae Evidence Modeling of protein sequence and biophysical properties (such as structural, functional, and spatial information, amino acid conservation, physicochemical variation, residue mobility, and thermodynamic stability) has been performed for this missense variant. However, the output from this modeling did not meet the statistical confidence thresholds required to predict the impact of this variant on COL4A5 protein function. In summary, the available evidence is currently insufficient to determine the role of this variant in disease. Therefore, it has been classified as a Variant of Uncertain Significance.

Illumina Laboratory Services, Illumina
Classification: Uncertain significance for X-linked Alport syndrome. Last evaluated: 2023-08-09. Review status: criteria provided, single submitter. Criteria: ICSLVariantClassificationCriteria RUGD 01 April 2020. Collection method: clinical testing. Allele origin: unknown.
Comment: The COL4A5 c.830C>T, p.(Pro277Leu) missense variant has not, to our knowledge, been reported in the peer-reviewed literature. This variant is not observed in version 2.1.1 or version 3.1.2 of the Genome Aggregation Database. Based on the available evidence, the c.830C>T variant is classified as a variant of uncertain significance for Alport syndrome.

PreventionGenetics, part of Exact Sciences
Classification: Uncertain significance for COL4A5-related condition. Last evaluated: 2023-07-20. Review status: criteria provided, single submitter. Criteria: ACMG Guidelines, 2015. Collection method: clinical testing. Allele origin: germline.
Comment: The COL4A5 c.830C>T variant is predicted to result in the amino acid substitution p.Pro277Leu. To our knowledge, this variant has not been reported in the literature or in a large population database, indicating this variant is rare. At this time, the clinical significance of this variant is uncertain due to the absence of conclusive functional and genetic evidence.

Women's Health and Genetics/Laboratory Corporation of America, LabCorp
Classification: Uncertain significance. Last evaluated: 2022-06-21. Review status: criteria provided, single submitter. Criteria: LabCorp Variant Classification Summary - May 2015. Collection method: clinical testing. Allele origin: germline.
Comment: Variant summary: COL4A5 c.830C>T (p.Pro277Leu) results in a non-conservative amino acid change in the encoded protein sequence. Four of five in-silico tools predict a damaging effect of the variant on protein function. The variant was absent in 183239 control chromosomes. The available data on variant occurrences in the general population are insufficient to allow any conclusion about variant significance. To our knowledge, no occurrence of c.830C>T in individuals affected with Alport Syndrome 1, X-Linked Recessive and no experimental evidence demonstrating its impact on protein function have been reported. No clinical diagnostic laboratories have submitted clinical-significance assessments for this variant to ClinVar after 2014. Based on the evidence outlined above, the variant was classified as uncertain significance.

NM_033380.3(COL4A5):c.830C>T (p.Pro277Leu)

Gene: COL4A5 (collagen type IV alpha 5 chain; plus strand). Cytogenetic location: Xq22.3.
Variant type: single nucleotide variant.
Coding change: c.830C>T on transcript NM_033380.3 (MANE Select); coding-DNA position 830, C replaced by T.
Protein change: p.Pro277Leu; replaces proline 277 with leucine.
Molecular consequence: missense variant.
Genome position (GRCh38, 1-based): chrX:108,580,582, C>T. VCF-style: chrX-108580582-C-T. GRCh37 (hg19) VCF-style: chrX-107823812-C-T.
Other names: c.830C>T, p.Pro277Leu (NM_000495.5); c.830C>T (NM_000495.3); short protein forms P277L.
Identifiers: ClinVar variation 1698603 (VCV001698603.5), dbSNP rs754849522, ClinGen allele CA334180629.